The following is an entry in ClinVar:

NM_001288705.3(CSF1R):c.2282A>G (p.Gln761Arg)

Gene: CSF1R (colony stimulating factor 1 receptor; minus strand). Cytogenetic location: 5q32.
Variant type: single nucleotide variant.
Coding change: c.2282A>G on transcript NM_001288705.3 (MANE Select); coding-DNA position 2282, A replaced by G.
Protein change: p.Gln761Arg; replaces glutamine 761 with arginine.
Molecular consequence: missense variant. On other transcripts: non-coding transcript variant (2).
Genome position (GRCh38, 1-based): chr5:150,057,324, T>C on the plus strand (A>G on the coding strand, the complement: CSF1R is on the minus strand). VCF-style: chr5-150057324-T-C. GRCh37 (hg19) VCF-style: chr5-149436887-T-C.
Other names: p.Gln761Arg; c.2282A>G, p.Gln761Arg (NM_001349736.2, NM_001375320.1, NM_005211.4); c.1838A>G, p.Gln613Arg (NM_001375321.1); short protein forms Q613R, Q761R.
Identifiers: ClinVar variation 3375581 (VCV003375581.2).

ClinVar aggregate classification (germline): Conflicting classifications of pathogenicity. Review status: criteria provided, conflicting classifications (1 of 4 stars). 2 submissions from 2 submitters: Likely pathogenic (1); Uncertain significance (1). Last evaluated 2024-05-06.

Submissions (2):

GeneDx
Classification: Uncertain significance. Last evaluated: 2024-05-06. Review status: criteria provided, single submitter. Criteria: GeneDx Variant Classification Process June 2021. Collection method: clinical testing. Allele origin: germline. Affected: yes.
Comment: Not observed at significant frequency in large population cohorts (gnomAD); In silico analysis supports that this missense variant has a deleterious effect on protein structure/function; Has not been previously published as pathogenic or benign to our knowledge

Mayo Clinic Laboratories, Mayo Clinic
Classification: Likely pathogenic. Last evaluated: 2023-10-10. Review status: criteria provided, single submitter. Criteria: ACMG Guidelines, 2015. Collection method: clinical testing. Allele origin: germline. Observed: 1 variant allele.
Comment: PP3, PP4, PM1, PM2_moderate